The following is an entry in ClinVar:

ClinVar aggregate classification (germline): Benign/Likely benign. Review status: criteria provided, multiple submitters, no conflicts (2 of 4 stars). 2 submissions from 2 submitters: Benign (1); Likely benign (1). Last evaluated 2026-03-01.

Allele frequency attached by ClinVar (database versions not stated): gnomAD exomes 0.00001; ExAC 0.00006; ESP Exome Variant Server 0.00008; TOPMed 0.00011; gnomAD 0.00013; 1000 Genomes Project 30x 0.00016; 1000 Genomes Project 0.00020.
gnomAD v4.1: 31 of 1,614,062 alleles (0.0019%); highest among the groups gnomAD compares: African/African-American, 0.036%; no homozygotes.

Submissions (2):

CeGaT Center for Human Genetics Tuebingen
Classification: Likely benign. Last evaluated: 2026-03-01. Review status: criteria provided, single submitter. Criteria: CeGaT Center For Human Genetics Tuebingen Variant Classification Criteria Version 2. Collection method: clinical testing. Allele origin: germline. Affected: yes. Observed: 1 variant allele.
Comment: ARID1B: BP4, BP7

Labcorp Genetics (formerly Invitae), Labcorp
Classification: Benign. Last evaluated: 2024-10-29. Review status: criteria provided, single submitter. Criteria: Invitae Variant Classification Sherloc (09022015). Collection method: clinical testing. Allele origin: germline.

NM_001374828.1(ARID1B):c.5005C>T (p.Leu1669=)

Gene: ARID1B (AT-rich interaction domain 1B; plus strand). Cytogenetic location: 6q25.3.
Variant type: single nucleotide variant.
Coding change: c.5005C>T on transcript NM_001374828.1 (MANE Select); coding-DNA position 5005, C replaced by T.
Protein change: p.Leu1669=; no amino-acid change (leucine 1669 retained).
Molecular consequence: synonymous variant.
Genome position (GRCh38, 1-based): chr6:157,201,230, C>T. VCF-style: chr6-157201230-C-T. GRCh37 (hg19) VCF-style: chr6-157522364-C-T.
Other names: c.4756C>T, p.Leu1586= (NM_001346813.1); c.2506C>T, p.Leu836= (NM_001363725.2); c.4885C>T, p.Leu1629= (NM_001371656.1, NM_001374820.1); c.4846C>T, p.Leu1616= (NM_017519.3); c.4636C>T, p.Leu1546= (NM_020732.3); c.4423C>T, p.Leu1475= (NM_175863.2).
Identifiers: ClinVar variation 2050798 (VCV002050798.8), dbSNP rs113347228, ClinGen allele CA4067747.